The following is an entry in ClinVar:

ClinVar aggregate classification (germline): Likely benign. Review status: criteria provided, multiple submitters, no conflicts (2 of 4 stars). 2 submissions from 2 submitters: Likely benign (2). Last evaluated 2018-06-19.

Allele frequency attached by ClinVar (database versions not stated): gnomAD 0.01997; TOPMed 0.02143; 1000 Genomes Project 0.03914; 1000 Genomes Project 30x 0.03935.
gnomAD v4.1: 22,026 of 1,239,452 alleles (1.8%); highest among the groups gnomAD compares: East Asian, 12%; 670 homozygotes.

Submissions (2):

GeneDx
Classification: Likely benign. Last evaluated: 2018-06-19. Review status: criteria provided, single submitter. Criteria: GeneDx Variant Classification (06012015). Collection method: clinical testing. Allele origin: germline. Affected: yes.
Comment: This variant is considered likely benign or benign based on one or more of the following criteria: it is a conservative change, it occurs at a poorly conserved position in the protein, it is predicted to be benign by multiple in silico algorithms, and/or has population frequency not consistent with disease.

Breakthrough Genomics
Classification: Likely benign. Review status: criteria provided, single submitter. Criteria: ACMG Guidelines, 2015. Collection method: not provided. Allele origin: germline. Inheritance: Autosomal recessive inheritance. Affected: yes.

NM_020297.4(ABCC9):c.2019+85T>A

Gene: ABCC9 (ATP binding cassette subfamily C member 9; minus strand). Cytogenetic location: 12p12.1.
Variant type: single nucleotide variant.
Coding change: c.2019+85T>A on transcript NM_020297.4 (MANE Select); 85 bases into the intron after coding-DNA position 2019, T replaced by A.
Molecular consequence: intron variant.
Genome position (GRCh38, 1-based): chr12:21,882,681, A>T on the plus strand (T>A on the coding strand, the complement: ABCC9 is on the minus strand). VCF-style: chr12-21882681-A-T. GRCh37 (hg19) VCF-style: chr12-22035615-A-T.
Other names: c.1155+85T>A (NM_001377274.1); c.2019+85T>A (NM_005691.4, NM_001377273.1).
Identifiers: ClinVar variation 675311 (VCV000675311.2), dbSNP rs4148663, ClinGen allele CA233620316.